The following is an entry in ClinVar:

NM_002949.4(MRPL12):c.370G>C (p.Ala124Pro)

Gene: MRPL12 (mitochondrial ribosomal protein L12; plus strand). Cytogenetic location: 17q25.3.
Variant type: single nucleotide variant.
Coding change: c.370G>C on transcript NM_002949.4 (MANE Select); coding-DNA position 370, G replaced by C.
Protein change: p.Ala124Pro; replaces alanine 124 with proline.
Molecular consequence: missense variant.
Genome position (GRCh38, 1-based): chr17:81,706,930, G>C. VCF-style: chr17-81706930-G-C. GRCh37 (hg19) VCF-style: chr17-79673960-G-C.
Other names: short protein forms A124P.
Identifiers: ClinVar variation 3206699 (VCV003206699.2), dbSNP rs375709224, ClinGen allele CA8841366.
Genomic context (GRCh38, chr17:81,706,930, plus strand): 5'-TTGTCACCTGGCTCCCCTTCTTTCCTGCTCCCTAAGGCGGTGGAAGAAGATATCCCCATA[G>C]CGAAAGAACGGACACATTTCACCGTCCGCCTGACCGAGGCGAAGCCCGTGGACAAAGTGA-3'
Protein context (NP_002940.2, residues 114-134): QEAVEEDIPI[Ala124Pro]KERTHFTVRL

ClinVar aggregate classification (germline): Uncertain significance. Review status: criteria provided, multiple submitters, no conflicts (2 of 4 stars). 2 submissions from 2 submitters: Uncertain significance (2). Last evaluated 2025-06-26.

Allele frequency attached by ClinVar (database versions not stated): TOPMed below 0.00001; ExAC 0.00001; gnomAD exomes 0.00001; gnomAD 0.00002; ESP Exome Variant Server 0.00008.
gnomAD v4.1: 21 of 1,613,862 alleles (0.0013%); highest among the groups gnomAD compares: Non-Finnish European, 0.0017%; no homozygotes.

Submissions (2):

Labcorp Genetics (formerly Invitae), Labcorp
Classification: Uncertain significance. Last evaluated: 2025-06-26. Review status: criteria provided, single submitter. Criteria: Invitae Variant Classification Sherloc (09022015). Collection method: clinical testing. Allele origin: germline.
Comment: This sequence change replaces alanine, which is neutral and non-polar, with proline, which is neutral and non-polar, at codon 124 of the MRPL12 protein (p.Ala124Pro). This variant is present in population databases (rs375709224, gnomAD 0.004%). This variant has not been reported in the literature in individuals affected with MRPL12-related conditions. ClinVar contains an entry for this variant (Variation ID: 3206699). An algorithm developed to predict the effect of missense changes on protein structure and function (PolyPhen-2) suggests that this variant is likely to be tolerated. In summary, the available evidence is currently insufficient to determine the role of this variant in disease. Therefore, it has been classified as a Variant of Uncertain Significance.

Ambry Genetics
Classification: Uncertain significance. Last evaluated: 2023-12-20. Review status: criteria provided, single submitter. Criteria: Ambry Variant Classification Scheme 2023. Collection method: clinical testing. Allele origin: germline.